The following is an entry in ClinVar:

NM_001195553.2(DCX):c.1030C>T (p.Arg344Trp)

Gene: DCX (doublecortin; minus strand). Cytogenetic location: Xq23.
Variant type: single nucleotide variant.
Coding change: c.1030C>T on transcript NM_001195553.2 (MANE Select); coding-DNA position 1030, C replaced by T.
Protein change: p.Arg344Trp; replaces arginine 344 with tryptophan.
Molecular consequence: missense variant. On other transcripts: intron variant (3).
Genome position (GRCh38, 1-based): chrX:111,312,653, G>A on the plus strand (C>T on the coding strand, the complement: DCX is on the minus strand). VCF-style: chrX-111312653-G-A. GRCh37 (hg19) VCF-style: chrX-110555881-G-A.
Other names: c.1258C>T, p.Arg420Trp (NM_000555.3); c.1030C>T, p.Arg344Trp (NM_001369370.1, NM_001369371.1, NM_178152.3); c.1015C>T, p.Arg339Trp (NM_001369372.1, NM_178151.3, NM_178153.3); c.932-10910C>T (NM_001369373.1, NM_001369374.1); c.947-10910C>T (NM_001410715.1); short protein forms R339W, R344W, R420W.
Identifiers: ClinVar variation 3367309 (VCV003367309.2).
Genomic context (GRCh38, chrX:111,312,653, plus strand): 5'-CAGGAAACTGAGTGCAAAGAGGTTTAGTAAGGTATAAGAGACATAATACCTTGTGCTTCC[G>A]GAGGCTGCCAGGACTGGTGGGCGTAGAGATGGGAGACTGCTTAGACTTGGGGGTAGAGAG-3'
Protein context (NP_001182482.1, residues 334-354): ISTPTSPGSL[Arg344Trp]KHKVDLYLPL

ClinVar aggregate classification (germline): Uncertain significance (1 of 4 stars; one submission).

gnomAD v4.1: 5 of 1,211,560 alleles (0.00041%); highest among the groups gnomAD compares: African/African-American, 0.0017%; no homozygotes.

Submission:

GeneDx
Classification: Uncertain significance. Last evaluated: 2025-03-13. Review status: criteria provided, single submitter. Criteria: GeneDx Variant Classification Process June 2021. Collection method: clinical testing. Allele origin: germline.
Comment: Not observed at significant frequency in large population cohorts (gnomAD); In silico analysis supports that this missense variant has a deleterious effect on protein structure/function; In silico analysis is inconclusive as to whether the variant alters gene splicing. In the absence of RNA/functional studies, the actual effect of this sequence change is unknown.; Has not been previously published as pathogenic or benign to our knowledge